The following is an entry in ClinVar:

ClinVar aggregate classification (germline): Likely benign (0 of 4 stars; one submission).

Conditions:
KIRREL1-related disorder. Also called: KIRREL1-related condition.

Allele frequency attached by ClinVar (database versions not stated): 1000 Genomes Project 0.00080; 1000 Genomes Project 30x 0.00094; TOPMed 0.00144; ExAC 0.00162; gnomAD 0.00165; ESP Exome Variant Server 0.00192; gnomAD exomes 0.00334.
gnomAD v4.1: 5,035 of 1,613,864 alleles (0.31%); highest among the groups gnomAD compares: Non-Finnish European, 0.4%; 16 homozygotes.

Submission:

PreventionGenetics, part of Exact Sciences
Classification: Likely benign for KIRREL1-related condition. Last evaluated: 2019-11-18. Review status: no assertion criteria provided. Collection method: clinical testing. Allele origin: germline.
Comment: This variant is classified as likely benign based on ACMG/AMP sequence variant interpretation guidelines (Richards et al. 2015 PMID: 25741868, with internal and published modifications).

NM_018240.7(KIRREL1):c.1134C>T (p.Ile378=)

Gene: KIRREL1 (kirre like nephrin family adhesion molecule 1; plus strand). Cytogenetic location: 1q23.1.
Variant type: single nucleotide variant.
Coding change: c.1134C>T on transcript NM_018240.7 (MANE Select); coding-DNA position 1134, C replaced by T.
Protein change: p.Ile378=; no amino-acid change (isoleucine 378 retained).
Molecular consequence: synonymous variant.
Genome position (GRCh38, 1-based): chr1:158,089,591, C>T. VCF-style: chr1-158089591-C-T. GRCh37 (hg19) VCF-style: chr1-158059381-C-T.
Other names: c.834C>T, p.Ile278= (NM_001286349.2).
Identifiers: ClinVar variation 3043444 (VCV003043444.2), dbSNP rs146308217, ClinGen allele CA1177583.